The following is an entry in ClinVar:

NM_183374.3(CYP26C1):c.184A>T (p.Thr62Ser)

Gene: CYP26C1 (cytochrome P450 family 26 subfamily C member 1; plus strand). Cytogenetic location: 10q23.33.
Variant type: single nucleotide variant.
Coding change: c.184A>T on transcript NM_183374.3 (MANE Select); coding-DNA position 184, A replaced by T.
Protein change: p.Thr62Ser; replaces threonine 62 with serine.
Molecular consequence: missense variant.
Genome position (GRCh38, 1-based): chr10:93,061,447, A>T. VCF-style: chr10-93061447-A-T. GRCh37 (hg19) VCF-style: chr10-94821204-A-T.
Other names: short protein forms T62S.
Identifiers: ClinVar variation 717978 (VCV000717978.7), dbSNP rs142943213, ClinGen allele CA5605586.

ClinVar aggregate classification (germline): Conflicting classifications of pathogenicity. Review status: criteria provided, conflicting classifications (1 of 4 stars). 4 submissions from 4 submitters: Uncertain significance (1); Benign (2). 1 of the submissions does not count toward it. Last evaluated 2025-10-18.

Conditions:
CYP26C1-related disorder. Also called: CYP26C1-related condition.

Allele frequency attached by ClinVar (database versions not stated): gnomAD exomes 0.00021 and 0.00062; 1000 Genomes Project 0.00399; 1000 Genomes Project 30x 0.00468; TOPMed 0.00252; ESP Exome Variant Server 0.00187; gnomAD 0.00228 and 0.00230; ExAC 0.00082.
gnomAD v4.1: 660 of 1,552,360 alleles (0.043%); highest among the groups gnomAD compares: African/African-American, 0.77%; 4 homozygotes.

Submissions (4):

Ambry Genetics
Classification: Uncertain significance. Last evaluated: 2025-10-18. Review status: criteria provided, single submitter. Criteria: Ambry Variant Classification Scheme 2023. Collection method: clinical testing. Allele origin: germline.

Labcorp Genetics (formerly Invitae), Labcorp
Classification: Benign. Last evaluated: 2018-06-13. Review status: criteria provided, single submitter. Criteria: Invitae Variant Classification Sherloc (09022015). Collection method: clinical testing. Allele origin: germline.

Breakthrough Genomics
Classification: Benign. Review status: criteria provided, single submitter. Criteria: ACMG Guidelines, 2015. Collection method: not provided. Allele origin: germline. Inheritance: Autosomal recessive inheritance. Affected: yes.

PreventionGenetics, part of Exact Sciences
Classification: Likely benign for CYP26C1-related condition. Last evaluated: 2023-05-22. Review status: no assertion criteria provided. Collection method: clinical testing. Allele origin: germline. Not counted in ClinVar's aggregate classification.
Comment: This variant is classified as likely benign based on ACMG/AMP sequence variant interpretation guidelines (Richards et al. 2015 PMID: 25741868, with internal and published modifications).